The following is an entry in ClinVar:

ClinVar aggregate classification (germline): Uncertain significance (1 of 4 stars; one submission).

Conditions:
Episodic ataxia type 1 (EA1). Also called: ATAXIA, EPISODIC, WITH MYOKYMIA; Episodic ataxia/myokymia syndrome; MYOKYMIA WITH PERIODIC ATAXIA; PAROXYSMAL ATAXIA WITH NEUROMYOTONIA, HEREDITARY. Identifiers: Orphanet 37612, Orphanet 972, MedGen C1719788, MONDO:0008047, OMIM 160120.

Submission:

Labcorp Genetics (formerly Invitae), Labcorp
Classification: Uncertain significance for Episodic ataxia type 1. Last evaluated: 2025-07-31. Review status: criteria provided, single submitter. Criteria: Invitae Variant Classification Sherloc (09022015). Collection method: clinical testing. Allele origin: germline.
Comment: This sequence change replaces glutamic acid, which is acidic and polar, with lysine, which is basic and polar, at codon 456 of the KCNA1 protein (p.Glu456Lys). This variant is not present in population databases (gnomAD no frequency). This variant has not been reported in the literature in individuals affected with KCNA1-related conditions. ClinVar contains an entry for this variant (Variation ID: 1720245). Invitae Evidence Modeling of protein sequence and biophysical properties (such as structural, functional, and spatial information, amino acid conservation, physicochemical variation, residue mobility, and thermodynamic stability) has been performed for this missense variant. However, the output from this modeling did not meet the statistical confidence thresholds required to predict the impact of this variant on KCNA1 protein function. In summary, the available evidence is currently insufficient to determine the role of this variant in disease. Therefore, it has been classified as a Variant of Uncertain Significance.

NM_000217.3(KCNA1):c.1366G>A (p.Glu456Lys)

Gene: KCNA1 (potassium voltage-gated channel subfamily A member 1; plus strand). Cytogenetic location: 12p13.32.
Variant type: single nucleotide variant.
Coding change: c.1366G>A on transcript NM_000217.3 (MANE Select); coding-DNA position 1366, G replaced by A.
Protein change: p.Glu456Lys; replaces glutamic acid 456 with lysine.
Molecular consequence: missense variant.
Genome position (GRCh38, 1-based): chr12:4,912,744, G>A. VCF-style: chr12-4912744-G-A. GRCh37 (hg19) VCF-style: chr12-5021910-G-A.
Other names: short protein forms E456K.
Identifiers: ClinVar variation 1720245 (VCV001720245.5), dbSNP rs1947360103, ClinGen allele CA383456621.
Genomic context (GRCh38, chr12:4,912,744, plus strand): 5'-GCCTCTGACAGTGACCTCAGTCGCCGCAGTTCCTCTACTATGAGCAAGTCTGAGTACATG[G>A]AGATCGAAGAGGATATGAATAATAGCATAGCCCATTATAGACAGGTCAATATCAGAACTG-3'
Protein context (NP_000208.2, residues 446-466): SSTMSKSEYM[Glu456Lys]IEEDMNNSIA